The following is an entry in ClinVar:

ClinVar aggregate classification (germline): Uncertain significance (1 of 4 stars; one submission).

Conditions:
Werner syndrome (WRN). Identifiers: Orphanet 902, MedGen C0043119, MONDO:0010196, OMIM 277700.

Submission:

Labcorp Genetics (formerly Invitae), Labcorp
Classification: Uncertain significance for Werner syndrome. Last evaluated: 2022-04-28. Review status: criteria provided, single submitter. Criteria: Invitae Variant Classification Sherloc (09022015). Collection method: clinical testing. Allele origin: germline.
Comment: In summary, the available evidence is currently insufficient to determine the role of this variant in disease. Therefore, it has been classified as a Variant of Uncertain Significance. Algorithms developed to predict the effect of missense changes on protein structure and function output the following: SIFT: "Not Available"; PolyPhen-2: "Possibly Damaging"; Align-GVGD: "Not Available". The arginine amino acid residue is found in multiple mammalian species, which suggests that this missense change does not adversely affect protein function. ClinVar contains an entry for this variant (Variation ID: 651372). This variant has not been reported in the literature in individuals affected with WRN-related conditions. This variant is not present in population databases (gnomAD no frequency). This sequence change replaces lysine, which is basic and polar, with arginine, which is basic and polar, at codon 1016 of the WRN protein (p.Lys1016Arg).

NM_000553.6(WRN):c.3047A>G (p.Lys1016Arg)

Gene: WRN (WRN RecQ like helicase; plus strand). Cytogenetic location: 8p12.
Variant type: single nucleotide variant.
Coding change: c.3047A>G on transcript NM_000553.6 (MANE Select); coding-DNA position 3047, A replaced by G.
Protein change: p.Lys1016Arg; replaces lysine 1016 with arginine.
Molecular consequence: missense variant.
Genome position (GRCh38, 1-based): chr8:31,141,509, A>G. VCF-style: chr8-31141509-A-G. GRCh37 (hg19) VCF-style: chr8-30999025-A-G.
Other names: short protein forms K1016R.
Identifiers: ClinVar variation 651372 (VCV000651372.5), dbSNP rs1585514485, ClinGen allele CA370922071.
Genomic context (GRCh38, chr8:31,141,509, plus strand): 5'-ATCAATATCGCAGGCACAGTTTATTTGGCACTGGCAAGGATCAAACAGAGAGTTGGTGGA[A>G]GGCTTTTTCCCGTCAGCTGATCACTGAGGGATTCTTGGTAGAAGTTTCTCGGTATAACAA-3'
Protein context (NP_000544.2, residues 1006-1026): TGKDQTESWW[Lys1016Arg]AFSRQLITEG